The following is an entry in ClinVar:

NM_175875.5(SIX5):c.2127C>T (p.Thr709=)

Gene: SIX5 (SIX homeobox 5; minus strand). Cytogenetic location: 19q13.32.
Variant type: single nucleotide variant.
Coding change: c.2127C>T on transcript NM_175875.5 (MANE Select); coding-DNA position 2127, C replaced by T.
Protein change: p.Thr709=; no amino-acid change (threonine 709 retained).
Molecular consequence: synonymous variant.
Genome position (GRCh38, 1-based): chr19:45,765,594, G>A on the plus strand (C>T on the coding strand, the complement: SIX5 is on the minus strand). VCF-style: chr19-45765594-G-A. GRCh37 (hg19) VCF-style: chr19-46268852-G-A.
Identifiers: ClinVar variation 4984928 (VCV004984928.1).
Genomic context (GRCh38, chr19:45,765,594, plus strand): 5'-CTGGAGCTGGGTCAGAACCTTGGCCTCAGCTTCCAACCCCTCGTCAACCTCACCCCCTGC[G>A]GTGGCCCCCAGGAGCAGCCCCTCAGGGTCGGGGTCTGGCAGCCTCAGCACGGTGTGGGGG-3'
Protein context (NP_787071.3, residues 699-719): PDPEGLLLGA[Thr709=]AGGEVDEGLE

ClinVar aggregate classification (germline): Likely benign (1 of 4 stars; one submission).

Conditions:
SIX5-related disorder. Also called: SIX5-related condition.

gnomAD v4.1: 17 of 1,613,206 alleles (0.0011%); highest among the groups gnomAD compares: African/African-American, 0.0027%; no homozygotes.

Submission:

PreventionGenetics, part of Exact Sciences
Classification: Likely benign for SIX5-related condition. Last evaluated: 2026-02-13. Review status: criteria provided, single submitter. Criteria: ACMG Guidelines, 2015. Collection method: clinical testing. Allele origin: germline.
Comment: This variant is classified as likely benign based on ACMG/AMP sequence variant interpretation guidelines (Richards et al. 2015 PMID: 25741868, with internal and published modifications).